The following is an entry in ClinVar:

NM_006876.3(B4GAT1):c.241G>A (p.Val81Ile)

Gene: B4GAT1 (beta-1,4-glucuronyltransferase 1; minus strand). Cytogenetic location: 11q13.2.
Variant type: single nucleotide variant.
Coding change: c.241G>A on transcript NM_006876.3 (MANE Select); coding-DNA position 241, G replaced by A.
Protein change: p.Val81Ile; replaces valine 81 with isoleucine.
Molecular consequence: missense variant.
Genome position (GRCh38, 1-based): chr11:66,347,305, C>T on the plus strand (G>A on the coding strand, the complement: B4GAT1 is on the minus strand). VCF-style: chr11-66347305-C-T. GRCh37 (hg19) VCF-style: chr11-66114776-C-T.
Other names: c.241G>A (NM_006876.2); short protein forms V81I.
Identifiers: ClinVar variation 1493869 (VCV001493869.6), dbSNP rs774458027, ClinGen allele CA6120584.

ClinVar aggregate classification (germline): Uncertain significance. Review status: criteria provided, multiple submitters, no conflicts (2 of 4 stars). 2 submissions from 2 submitters: Uncertain significance (2). Last evaluated 2024-01-08.

Conditions:
Muscular dystrophy-dystroglycanopathy (congenital with brain and eye anomalies), type A13. Also called: WALKER-WARBURG SYNDROME OR MUSCLE-EYE-BRAIN DISEASE, B3GNT1-RELATED; Muscular dystrophy-dystroglycanopathy (congenital with brain and eye anomalies), type a, 13. Identifiers: Orphanet 899, MedGen C3809042, MONDO:0014120, OMIM 615287.
Inborn genetic diseases. Identifiers: MedGen C0950123, MeSH D030342.

Allele frequency attached by ClinVar (database versions not stated): gnomAD exomes 0.00001; gnomAD 0.00003 and 0.00004; ExAC 0.00004; TOPMed 0.00006.
gnomAD v4.1: 11 of 1,567,646 alleles (0.0007%); highest among the groups gnomAD compares: Admixed American, 0.015%; no homozygotes.

Submissions (2):

Ambry Genetics
Classification: Uncertain significance for Inborn genetic diseases. Last evaluated: 2024-01-08. Review status: criteria provided, single submitter. Criteria: Ambry Variant Classification Scheme 2023. Collection method: clinical testing. Allele origin: germline.

Labcorp Genetics (formerly Invitae), Labcorp
Classification: Uncertain significance for Muscular dystrophy-dystroglycanopathy (congenital with brain and eye anomalies), type A13. Last evaluated: 2021-09-24. Review status: criteria provided, single submitter. Criteria: Invitae Variant Classification Sherloc (09022015). Collection method: clinical testing. Allele origin: germline.
Comment: This sequence change replaces valine with isoleucine at codon 81 of the B4GAT1 protein (p.Val81Ile). The valine residue is highly conserved and there is a small physicochemical difference between valine and isoleucine. This variant is present in population databases (rs774458027, ExAC 0.01%). This variant has not been reported in the literature in individuals with B4GAT1-related conditions. Algorithms developed to predict the effect of missense changes on protein structure and function (SIFT, PolyPhen-2, Align-GVGD) all suggest that this variant is likely to be tolerated, but these predictions have not been confirmed by published functional studies and their clinical significance is uncertain. In summary, the available evidence is currently insufficient to determine the role of this variant in disease. Therefore, it has been classified as a Variant of Uncertain Significance.